The following is an entry in ClinVar:

ClinVar aggregate classification (germline): Uncertain significance (1 of 4 stars; one submission).

Submission:

Ambry Genetics
Classification: Uncertain significance. Last evaluated: 2023-11-01. Review status: criteria provided, single submitter. Criteria: Ambry Variant Classification Scheme 2023. Collection method: clinical testing. Allele origin: germline.
Comment: The p.Q3084R variant (also known as c.9251A>G), located in coding exon 66 of the PRKDC gene, results from an A to G substitution at nucleotide position 9251. The glutamine at codon 3084 is replaced by arginine, an amino acid with highly similar properties. This amino acid position is conserved. Since supporting evidence is limited at this time, the clinical significance of this alteration remains unclear.

NM_006904.7(PRKDC):c.9251A>G (p.Gln3084Arg)

Gene: PRKDC (protein kinase, DNA-activated, catalytic subunit; minus strand). Cytogenetic location: 8q11.21.
Variant type: single nucleotide variant.
Coding change: c.9251A>G on transcript NM_006904.7 (MANE Select); coding-DNA position 9251, A replaced by G.
Protein change: p.Gln3084Arg; replaces glutamine 3084 with arginine.
Molecular consequence: missense variant.
Genome position (GRCh38, 1-based): chr8:47,820,804, T>C on the plus strand (A>G on the coding strand, the complement: PRKDC is on the minus strand). VCF-style: chr8-47820804-T-C. GRCh37 (hg19) VCF-style: chr8-48733365-T-C.
Other names: c.9251A>G, p.Gln3084Arg (NM_001081640.2); short protein forms Q3084R.
Identifiers: ClinVar variation 3225938 (VCV003225938.1), dbSNP rs2551865352, ClinGen allele CA371139504.